The following is an entry in ClinVar:

ClinVar aggregate classification (germline): Uncertain significance (1 of 4 stars; one submission).

Conditions:
NFATC1-related disorder. Also called: NFATC1-related condition.

Submission:

PreventionGenetics, part of Exact Sciences
Classification: Uncertain significance for NFATC1-related condition. Last evaluated: 2024-11-06. Review status: criteria provided, single submitter. Criteria: ACMG Guidelines, 2015. Collection method: clinical testing. Allele origin: germline.
Comment: The NFATC1 c.1082dupC variant is predicted to result in a frameshift and premature protein termination (p.Pro362Alafs*66). To our knowledge, this variant has not been reported in the literature or in a large population database (gnomAD), indicating this variant is rare. At this time, the clinical significance of this variant is uncertain due to the absence of conclusive functional and genetic evidence.

NM_001278669.2(NFATC1):c.1082dup (p.Pro362fs)

Gene: NFATC1 (nuclear factor of activated T cells 1; plus strand). Cytogenetic location: 18q23.
Variant type: Duplication.
Coding change: c.1082dup on transcript NM_001278669.2 (MANE Select); coding-DNA position 1082, one base duplicated (C; older notation c.1082dupC).
Protein change: p.Pro362fs; shifts the reading frame from proline 362.
Molecular consequence: frameshift variant. On other transcripts: intron variant (2).
Genome position (GRCh38, 1-based): chr18:79,411,357, C duplicated; the last of 6 consecutive C bases (chr18:79,411,352-79,411,357); duplicating any one gives the same sequence. VCF-style (leftmost placement, unchanged base first): chr18-79411351-G-GC. GRCh37 (hg19) VCF-style: chr18-77171351-G-GC.
Other names: c.1082dup, p.Pro362fs (NM_001278670.2, NM_006162.5, NM_172390.3); c.1043dup, p.Pro349fs (NM_001278672.2, NM_001278675.2, NM_172387.3 and 1 more transcripts); c.-191+15006dup (NM_172388.3); c.-191+10878dup (NM_001278673.2); short protein forms P362fs, P349fs.
Identifiers: ClinVar variation 4989163 (VCV004989163.1).